The following is an entry in ClinVar:

ClinVar aggregate classification (germline): Uncertain significance (1 of 4 stars; one submission).

Submission:

GeneDx
Classification: Uncertain significance. Last evaluated: 2023-11-17. Review status: criteria provided, single submitter. Criteria: GeneDx Variant Classification Process June 2021. Collection method: clinical testing. Allele origin: germline. Affected: yes.
Comment: Reported using an alternate transcript of the gene; Not observed at significant frequency in large population cohorts (gnomAD); Canonical splice site variant in a gene for which loss-of-function is not an established mechanism of disease; Has not been previously published as pathogenic or benign to our knowledge

NM_004035.7(ACOX1):c.269+4911T>A

Gene: ACOX1 (acyl-CoA oxidase 1; minus strand). Cytogenetic location: 17q25.1.
Variant type: single nucleotide variant.
Coding change: c.269+4911T>A on transcript NM_004035.7 (MANE Select); 4911 bases into the intron after coding-DNA position 269, T replaced by A.
Molecular consequence: intron variant. On other transcripts: splice donor variant (1).
Genome position (GRCh38, 1-based): chr17:75,973,623, A>T on the plus strand (T>A on the coding strand, the complement: ACOX1 is on the minus strand). VCF-style: chr17-75973623-A-T. GRCh37 (hg19) VCF-style: chr17-73969704-A-T.
Other names: c.430+2T>A (NM_007292.6); c.155+4911T>A (NM_001185039.2).
Identifiers: ClinVar variation 3340929 (VCV003340929.1).